The following is an entry in ClinVar:

ClinVar aggregate classification (germline): Likely benign. Review status: criteria provided, single submitter (1 of 4 stars). 2 submissions from 2 submitters: Likely benign (1). 1 of the submissions does not count toward it. Last evaluated 2023-09-21.

Conditions:
COL4A5-related disorder. Also called: COL4A5-related condition.

Allele frequency attached by ClinVar (database versions not stated): gnomAD exomes 0.00001 and 0.00002; ExAC 0.00003; gnomAD 0.00006 and 0.00008; TOPMed 0.00007; ESP Exome Variant Server 0.00019.
gnomAD v4.1: 14 of 1,207,912 alleles (0.0012%); highest among the groups gnomAD compares: African/African-American, 0.023%; no homozygotes.

Submissions (2):

Labcorp Genetics (formerly Invitae), Labcorp
Classification: Likely benign. Last evaluated: 2023-09-21. Review status: criteria provided, single submitter. Criteria: Invitae Variant Classification Sherloc (09022015). Collection method: clinical testing. Allele origin: germline.

PreventionGenetics, part of Exact Sciences
Classification: Likely benign for COL4A5-related condition. Last evaluated: 2020-03-19. Review status: no assertion criteria provided. Collection method: clinical testing. Allele origin: germline. Not counted in ClinVar's aggregate classification.
Comment: This variant is classified as likely benign based on ACMG/AMP sequence variant interpretation guidelines (Richards et al. 2015 PMID: 25741868, with internal and published modifications).

NM_033380.3(COL4A5):c.5016G>A (p.Leu1672=)

Gene: COL4A5 (collagen type IV alpha 5 chain; plus strand). Cytogenetic location: Xq22.3.
Variant type: single nucleotide variant.
Coding change: c.5016G>A on transcript NM_033380.3 (MANE Select); coding-DNA position 5016, G replaced by A.
Protein change: p.Leu1672=; no amino-acid change (leucine 1672 retained).
Molecular consequence: synonymous variant.
Genome position (GRCh38, 1-based): chrX:108,696,318, G>A. VCF-style: chrX-108696318-G-A. GRCh37 (hg19) VCF-style: chrX-107939548-G-A.
Other names: c.5016G>A (NM_033380.2); c.4998G>A, p.Leu1666= (NM_000495.5).
Identifiers: ClinVar variation 1096339 (VCV001096339.11), dbSNP rs140088494, ClinGen allele CA10489460.
Genomic context (GRCh38, chrX:108,696,318, plus strand): 5'-GAAAATGTGGATCTGATTGTCTTATTTCTTATTTCCCAGTAAACCTCAGTCAGAAACGCT[G>A]AAAGCAGGAGACTTGAGGACACGAATTAGCCGATGTCAAGTGTGCATGAAGAGGACATAA-3'
Protein context (NP_203699.1, residues 1662-1682): DMFSKPQSET[Leu1672=]KAGDLRTRIS